The following is an entry in ClinVar:

NM_000152.5(GAA):c.1438-220A>G

Gene: GAA (alpha glucosidase; plus strand). Cytogenetic location: 17q25.3.
Variant type: single nucleotide variant.
Coding change: c.1438-220A>G on transcript NM_000152.5 (MANE Select); 220 bases into the intron before coding-DNA position 1438, A replaced by G.
Molecular consequence: intron variant.
Genome position (GRCh38, 1-based): chr17:80,110,507, A>G. VCF-style: chr17-80110507-A-G. GRCh37 (hg19) VCF-style: chr17-78084306-A-G.
Other names: c.1438-220A>G (NM_001079803.3, NM_001079804.3).
Identifiers: ClinVar variation 680270 (VCV000680270.2), dbSNP rs2278618, ClinGen allele CA14478728.

ClinVar aggregate classification (germline): Benign. Review status: criteria provided, multiple submitters, no conflicts (2 of 4 stars). 2 submissions from 2 submitters: Benign (2). Last evaluated 2026-07-01.

Conditions:
Glycogen storage disease, type II (IOPD). Also called: Pompe Disease; CARDIOMEGALIA GLYCOGENICA DIFFUSA; GLYCOGENOSIS, GENERALIZED, CARDIAC FORM; GSD II; POMPE DISEASE, INFANTILE-ONSET; GLYCOGEN STORAGE DISEASE II, INFANTILE-ONSET. Identifiers: Orphanet 365, MedGen C0017921, MONDO:0009290, OMIM 232300.

Allele frequency attached by ClinVar (database versions not stated): 1000 Genomes Project 30x 0.59994; 1000 Genomes Project 0.60184; TOPMed 0.63500; gnomAD 0.65457 and 0.65478.
gnomAD v4.1: 99,680 of 152,210 alleles (65%); highest among the groups gnomAD compares: Middle Eastern, 85%; 33,489 homozygotes.

Submissions (2):

Genomenon, Inc
Classification: Benign for Glycogen storage disease, type II. Last evaluated: 2026-07-01. Review status: criteria provided, single submitter. Criteria: Genomenon Sequence Variant Interpretation Standards - Updated. Collection method: curation. Allele origin: germline. Affected: no.
Comment: GAA c.1438-220A>G is an intronic variant located in intron 9. This variant is present at high allele frequency in population databases. We classify GAA c.1438-220A>G as a benign variant.

GeneDx
Classification: Benign. Last evaluated: 2018-06-14. Review status: criteria provided, single submitter. Criteria: GeneDx Variant Classification (06012015). Collection method: clinical testing. Allele origin: germline. Affected: yes.
Comment: This variant is considered likely benign or benign based on one or more of the following criteria: it is a conservative change, it occurs at a poorly conserved position in the protein, it is predicted to be benign by multiple in silico algorithms, and/or has population frequency not consistent with disease.